The following is an entry in ClinVar:

NM_015046.7(SETX):c.814C>G (p.His272Asp)

Gene: SETX (senataxin; minus strand). Cytogenetic location: 9q34.13.
Variant type: single nucleotide variant.
Coding change: c.814C>G on transcript NM_015046.7 (MANE Select); coding-DNA position 814, C replaced by G.
Protein change: p.His272Asp; replaces histidine 272 with aspartic acid.
Molecular consequence: missense variant.
Genome position (GRCh38, 1-based): chr9:132,334,632, G>C on the plus strand (C>G on the coding strand, the complement: SETX is on the minus strand). VCF-style: chr9-132334632-G-C. GRCh37 (hg19) VCF-style: chr9-135210019-G-C.
Other names: c.814C>G, p.His272Asp (NM_001351527.2, NM_001351528.2); short protein forms H272D.
Identifiers: ClinVar variation 4982801 (VCV004982801.1).
Genomic context (GRCh38, chr9:132,334,632, plus strand): 5'-TATATTCAACAACATTCAGCAAGTAAAGTTTATTACCATCTGCTTCCCTCTCCATAGTGT[G>C]AAGTATCGATTGCATAAAATCATTTTGTTTGTCTGAGCCCAACAACAGGGAATCCATGGC-3'
Protein context (NP_055861.3, residues 262-282): KQNDFMQSIL[His272Asp]TMEREADDDS

ClinVar aggregate classification (germline): Uncertain significance (1 of 4 stars; one submission).

Conditions:
SETX-related disorder. Also called: SETX-related disorders; SETX-related condition. Identifiers: MedGen CN239403.

gnomAD v4.1: 17 of 1,614,010 alleles (0.0011%); highest among the groups gnomAD compares: Non-Finnish European, 0.0014%; no homozygotes.

Submission:

PreventionGenetics, part of Exact Sciences
Classification: Uncertain significance for SETX-related condition. Last evaluated: 2026-03-18. Review status: criteria provided, single submitter. Criteria: ACMG Guidelines, 2015. Collection method: clinical testing. Allele origin: germline.
Comment: The SETX c.814C>G variant is predicted to result in the amino acid substitution p.His272Asp. This variant has been reported in an individual with sporadic amyotrophic lateral sclerosis (Kenna et al. 2013. PubMed ID: 23881933). This variant is reported in 0.00088% of alleles in individuals of European (non-Finnish) descent in gnomAD. At this time, the clinical significance of this variant is uncertain due to the absence of conclusive functional and genetic evidence.